The following is an entry in ClinVar:

ClinVar aggregate classification (germline): Likely benign. Review status: criteria provided, multiple submitters, no conflicts (2 of 4 stars). 2 submissions from 2 submitters: Likely benign (2). Last evaluated 2025-08-18.

Conditions:
NAFLD1 (FLD1). Also called: FATTY LIVER DISEASE, SUSCEPTIBILITY TO, 1; Fatty liver disease, nonalcoholic 1. Identifiers: MedGen C2750440, MONDO:0021105, OMIM 613282.

Allele frequency attached by ClinVar (database versions not stated): gnomAD exomes 0.00062 and 0.00171; ExAC 0.00223; gnomAD 0.00603 and 0.00641; 1000 Genomes Project 30x 0.00656; TOPMed 0.00663; ESP Exome Variant Server 0.00692; 1000 Genomes Project 0.00699.

Submissions (2):

Genomic Medicine Center of Excellence, King Faisal Specialist Hospital and Research Centre
Classification: Likely benign. Last evaluated: 2025-08-18. Review status: criteria provided, single submitter. Criteria: ACMG Guidelines, 2015. Collection method: clinical testing. Allele origin: germline.

Illumina Laboratory Services, Illumina
Classification: Likely benign for NAFLD1. Last evaluated: 2018-01-12. Review status: criteria provided, single submitter. Criteria: ICSL Variant Classification Criteria 13 December 2019. Collection method: clinical testing. Allele origin: germline.
Comment: This variant was observed in the ICSL laboratory as part of a predisposition screen in an ostensibly healthy population. It had not been previously curated by ICSL or reported in the Human Gene Mutation Database (HGMD: prior to June 1st, 2018), and was therefore a candidate for classification through an automated scoring system. Utilizing variant allele frequency, disease prevalence and penetrance estimates, and inheritance mode, an automated score was calculated to assess if this variant is too frequent to cause the disease. Based on the score and internal cut-off values, a variant classified as likely benign is not then subjected to further curation. The score for this variant resulted in a classification of likely benign for this disease.

NM_025225.3(PNPLA3):c.980-15A>C

Gene: PNPLA3 (patatin like domain 3, 1-acylglycerol-3-phosphate O-acyltransferase; plus strand). Cytogenetic location: 22q13.31.
Variant type: single nucleotide variant.
Coding change: c.980-15A>C on transcript NM_025225.3 (MANE Select); 15 bases into the intron before coding-DNA position 980, A replaced by C.
Molecular consequence: intron variant.
Genome position (GRCh38, 1-based): chr22:43,939,978, A>C. VCF-style: chr22-43939978-A-C. GRCh37 (hg19) VCF-style: chr22-44335858-A-C.
Identifiers: ClinVar variation 341938 (VCV000341938.6), dbSNP rs144872932, ClinGen allele CA10278138.